The following is an entry in ClinVar:

ClinVar aggregate classification (germline): Conflicting classifications of pathogenicity. Review status: criteria provided, conflicting classifications (1 of 4 stars). 2 submissions from 2 submitters: Likely pathogenic (1); Uncertain significance (1). Last evaluated 2026-03-23.

Conditions:
Muscle AMP deaminase deficiency (MMDD). Also called: Myoadenylate deaminase deficiency, myopathy due to; Adenosine monophosphate deaminase 1 deficiency; AMP deaminase 1 deficiency; Adenosine Monophosphate Deaminase 1; ADENOSINE MONOPHOSPHATE DEAMINASE-1 DEFICIENCY, MYOPATHY DUE TO; AMPD1 DEFICIENCY. Identifiers: Orphanet 45, MedGen C3714933, MONDO:0014220, OMIM 615511.

Submissions (2):

GeneDx
Classification: Likely pathogenic. Last evaluated: 2026-03-23. Review status: criteria provided, single submitter. Criteria: GeneDx Variant Classification Process June 2021. Collection method: clinical testing. Allele origin: germline.
Comment: Frameshift variant predicted to result in protein truncation or nonsense mediated decay in a gene for which loss of function is a known mechanism of disease; Also denoted as c.404delT due to alternate nomenclature (PMID: 17463303); This variant is associated with the following publications: (PMID: 17463303)

Labcorp Genetics (formerly Invitae), Labcorp
Classification: Uncertain significance for Muscle AMP deaminase deficiency. Last evaluated: 2025-11-28. Review status: criteria provided, single submitter. Criteria: Invitae Variant Classification Sherloc (09022015). Collection method: clinical testing. Allele origin: germline.
Comment: This sequence change creates a premature translational stop signal (p.Ile168Metfs*41) in the AMPD1 gene. It is expected to result in an absent or disrupted protein product. However, the current clinical and genetic evidence is not sufficient to establish whether loss-of-function variants in AMPD1 cause disease. This variant is present in population databases (rs746228424, gnomAD 0.02%). This variant has not been reported in the literature in individuals affected with AMPD1-related conditions. In summary, the available evidence is currently insufficient to determine the role of this variant in disease. Therefore, it has been classified as a Variant of Uncertain Significance.

NM_000036.3(AMPD1):c.405del (p.Ile135fs)

Gene: AMPD1 (adenosine monophosphate deaminase 1; minus strand). Cytogenetic location: 1p13.2.
Variant type: Deletion.
Coding change: c.405del on transcript NM_000036.3 (MANE Select); coding-DNA position 405, one base deleted (T; older notation c.405delT).
Protein change: p.Ile135fs; shifts the reading frame from isoleucine 135.
Molecular consequence: frameshift variant.
Genome position (GRCh38, 1-based): chr1:114,684,341, A deleted on the plus strand (T on the coding strand, the reverse complement: AMPD1 is on the minus strand); the first of 2 consecutive A bases (chr1:114,684,341-114,684,342); deleting either gives the same sequence. VCF-style (leftmost placement, unchanged base first): chr1-114684340-CA-C. GRCh37 (hg19) VCF-style: chr1-115226961-CA-C.
Other names: c.393del, p.Ile131fs (NM_001172626.2); c.504del (NM_000036.2); short protein forms I135fs, I131fs.
Identifiers: ClinVar variation 4743111 (VCV004743111.2).